The following is an entry in ClinVar:

NM_001277115.2(DNAH11):c.5228_5231del (p.Leu1743fs)

Gene: DNAH11 (dynein axonemal heavy chain 11; plus strand). Cytogenetic location: 7p15.3.
Variant type: Deletion.
Coding change: c.5228_5231del on transcript NM_001277115.2 (MANE Select); coding-DNA positions 5228 to 5231, 4 bases deleted (TAAC; older notation c.5228_5231delTAAC).
Protein change: p.Leu1743fs; shifts the reading frame from leucine 1743.
Molecular consequence: frameshift variant.
Genome position (GRCh38, 1-based): chr7:21,658,931-21,658,934, TAAC deleted; deleting any 4 consecutive bases within chr7:21,658,929-21,658,934 gives the same sequence; the c. name uses the placement nearest the transcript's 3' end. VCF-style (leftmost placement, unchanged base first): chr7-21658928-CACTA-C. GRCh37 (hg19) VCF-style: chr7-21698546-CACTA-C.
Other names: c.5243_5246delTAAC, p.Leu1748Profs (NM_003777.3); short protein forms L1743fs.
Identifiers: ClinVar variation 2716101 (VCV002716101.3), dbSNP rs2534839400, ClinGen allele CA2697557144.

ClinVar aggregate classification (germline): Pathogenic (1 of 4 stars; one submission).

Conditions:
Primary ciliary dyskinesia. Also called: Ciliary dyskinesia. Identifiers: Orphanet 244, MedGen C0008780, MONDO:0016575, HP:0012265.

Submission:

Labcorp Genetics (formerly Invitae), Labcorp
Classification: Pathogenic for Primary ciliary dyskinesia. Last evaluated: 2023-02-03. Review status: criteria provided, single submitter. Criteria: Invitae Variant Classification Sherloc (09022015). Collection method: clinical testing. Allele origin: germline.
Comment: For these reasons, this variant has been classified as Pathogenic. This variant has not been reported in the literature in individuals affected with DNAH11-related conditions. This variant is not present in population databases (gnomAD no frequency). This sequence change creates a premature translational stop signal (p.Leu1743Profs*11) in the DNAH11 gene. It is expected to result in an absent or disrupted protein product. Loss-of-function variants in DNAH11 are known to be pathogenic (PMID: 18022865, 20513915, 22184204).

Literature cited by the submitters: PubMed 18022865; PubMed 20513915; PubMed 22184204.